The following is an entry in ClinVar:

ClinVar aggregate classification (germline): Uncertain significance (1 of 4 stars; one submission).

Allele frequency attached by ClinVar (database versions not stated): ExAC 0.00001; TOPMed 0.00004; gnomAD 0.00005; ESP Exome Variant Server 0.00008.
gnomAD v4.1: 14 of 1,613,506 alleles (0.00087%); highest among the groups gnomAD compares: African/African-American, 0.019%; no homozygotes.

Submission:

Labcorp Genetics (formerly Invitae), Labcorp
Classification: Uncertain significance. Last evaluated: 2024-10-25. Review status: criteria provided, single submitter. Criteria: Invitae Variant Classification Sherloc (09022015). Collection method: clinical testing. Allele origin: germline.
Comment: This sequence change replaces valine, which is neutral and non-polar, with methionine, which is neutral and non-polar, at codon 39 of the CARMIL2 protein (p.Val39Met). This variant is present in population databases (rs370315873, gnomAD 0.02%). This variant has not been reported in the literature in individuals affected with CARMIL2-related conditions. ClinVar contains an entry for this variant (Variation ID: 1913392). Invitae Evidence Modeling of protein sequence and biophysical properties (such as structural, functional, and spatial information, amino acid conservation, physicochemical variation, residue mobility, and thermodynamic stability) indicates that this missense variant is not expected to disrupt CARMIL2 protein function with a negative predictive value of 80%. In summary, the available evidence is currently insufficient to determine the role of this variant in disease. Therefore, it has been classified as a Variant of Uncertain Significance.

NM_001013838.3(CARMIL2):c.115G>A (p.Val39Met)

Gene: CARMIL2 (capping protein regulator and myosin 1 linker 2; plus strand). Cytogenetic location: 16q22.1.
Variant type: single nucleotide variant.
Coding change: c.115G>A on transcript NM_001013838.3 (MANE Select); coding-DNA position 115, G replaced by A.
Protein change: p.Val39Met; replaces valine 39 with methionine.
Molecular consequence: missense variant.
Genome position (GRCh38, 1-based): chr16:67,645,614, G>A. VCF-style: chr16-67645614-G-A. GRCh37 (hg19) VCF-style: chr16-67679517-G-A.
Other names: c.115G>A, p.Val39Met (NM_001317026.3); short protein forms V39M.
Identifiers: ClinVar variation 1913392 (VCV001913392.5), dbSNP rs370315873, ClinGen allele CA8112925.